The following is an entry in ClinVar:

ClinVar aggregate classification (germline): Likely benign. Review status: criteria provided, multiple submitters, no conflicts (2 of 4 stars). 2 submissions from 2 submitters: Likely benign (2). Last evaluated 2025-01-10.

Conditions:
Inborn genetic diseases. Identifiers: MedGen C0950123, MeSH D030342.

Allele frequency attached by ClinVar (database versions not stated): ESP Exome Variant Server 0.00028; ExAC 0.00040; gnomAD 0.00053; TOPMed 0.00057; gnomAD exomes 0.00109.
gnomAD v4.1: 1,236 of 1,199,527 alleles (0.1%); highest among the groups gnomAD compares: Non-Finnish European, 0.13%; no homozygotes.

Submissions (2):

Ambry Genetics
Classification: Likely benign for Inborn genetic diseases. Last evaluated: 2025-01-10. Review status: criteria provided, single submitter. Criteria: Ambry Variant Classification Scheme 2023. Collection method: clinical testing. Allele origin: germline.

CeGaT Center for Human Genetics Tuebingen
Classification: Likely benign. Last evaluated: 2023-03-01. Review status: criteria provided, single submitter. Criteria: CeGaT Center For Human Genetics Tuebingen Variant Classification Criteria Version 2. Collection method: clinical testing. Allele origin: germline. Affected: yes. Observed: 1 variant allele.
Comment: FRMPD4: BS2

NM_001368397.1(FRMPD4):c.3703G>A (p.Val1235Met)

Gene: FRMPD4 (FERM and PDZ domain containing 4; plus strand). Cytogenetic location: Xp22.2.
Variant type: single nucleotide variant.
Coding change: c.3703G>A on transcript NM_001368397.1 (MANE Select); coding-DNA position 3703, G replaced by A.
Protein change: p.Val1235Met; replaces valine 1235 with methionine.
Molecular consequence: missense variant.
Genome position (GRCh38, 1-based): chrX:12,718,529, G>A. VCF-style: chrX-12718529-G-A. GRCh37 (hg19) VCF-style: chrX-12736648-G-A.
Other names: c.3814G>A, p.Val1272Met (NM_001368395.3, NM_001368398.3); c.3709G>A, p.Val1237Met (NM_001368396.3); c.3694G>A, p.Val1232Met (NM_001368399.3); c.3583G>A, p.Val1195Met (NM_001368400.3); c.3679G>A, p.Val1227Met (NM_001368401.1, NM_001368402.3); c.3703G>A, p.Val1235Met (NM_014728.3); short protein forms V1195M, V1227M, V1232M, V1235M, V1237M, V1272M.
Identifiers: ClinVar variation 2660013 (VCV002660013.25), dbSNP rs143569009, ClinGen allele CA10349642.
Genomic context (GRCh38, chrX:12,718,529, plus strand): 5'-GGCTCTTCAGTGGATGCAGGCTGTGGCACAGGCAGCAGTGGCAGTGCCTGTGCCACACCC[G>A]TGGAGTCGCCGCTCTGCCCCTCCCTGGGGAAGCACTTGATTCCTGACGCTTCTGGGAAAG-3'
Protein context (NP_001355326.1, residues 1225-1245): GSSGSACATP[Val1235Met]ESPLCPSLGK